The following is an entry in ClinVar:

NM_024496.4(IRF2BPL):c.350_351insACA (p.Gln127_Leu128insGln)

Gene: IRF2BPL (interferon regulatory factor 2 binding protein like; minus strand). Cytogenetic location: 14q24.3.
Variant type: Insertion.
Coding change: c.350_351insACA on transcript NM_024496.4 (MANE Select); coding-DNA positions 350 to 351, ACA inserted.
Protein change: p.Gln127_Leu128insGln.
Molecular consequence: inframe insertion.
Genome position: GRCh38 VCF-style: chr14-77027442-C-CTGT. GRCh37 (hg19) VCF-style: chr14-77493785-C-CTGT.
Other names: p.Gln127dup.
Identifiers: ClinVar variation 2644416 (VCV002644416.26), dbSNP rs778015822, ClinGen allele CA7283998.

ClinVar aggregate classification (germline): Benign/Likely benign. Review status: criteria provided, multiple submitters, no conflicts (2 of 4 stars). 3 submissions from 3 submitters: Benign (1); Likely benign (2). Last evaluated 2026-09-01.

Submissions (3):

CeGaT Center for Human Genetics Tuebingen
Classification: Likely benign. Last evaluated: 2026-09-01. Review status: criteria provided, single submitter. Criteria: CeGaT Center For Human Genetics Tuebingen Variant Classification Criteria Version 2. Collection method: clinical testing. Allele origin: germline. Affected: yes. Observed: 17 variant alleles.
Comment: IRF2BPL: BS1

Blueprint Genetics
Classification: Likely benign. Last evaluated: 2024-11-27. Review status: criteria provided, single submitter. Criteria: ACMG Guidelines, 2015. Collection method: clinical testing. Allele origin: germline.

Mayo Clinic Laboratories, Mayo Clinic
Classification: Benign. Last evaluated: 2023-12-05. Review status: criteria provided, single submitter. Criteria: ACMG Guidelines, 2015. Collection method: clinical testing. Allele origin: germline. Observed: 2 variant alleles.
Comment: BA1, BS2